The following is an entry in ClinVar:

NM_005060.4(RORC):c.1490C>T (p.Ala497Val)

Gene: RORC (RAR related orphan receptor C; minus strand). Cytogenetic location: 1q21.3.
Variant type: single nucleotide variant.
Coding change: c.1490C>T on transcript NM_005060.4 (MANE Select); coding-DNA position 1490, C replaced by T.
Protein change: p.Ala497Val; replaces alanine 497 with valine.
Molecular consequence: missense variant.
Genome position (GRCh38, 1-based): chr1:151,807,539, G>A on the plus strand (C>T on the coding strand, the complement: RORC is on the minus strand). VCF-style: chr1-151807539-G-A. GRCh37 (hg19) VCF-style: chr1-151780015-G-A.
Other names: c.1427C>T, p.Ala476Val (NM_001001523.2); short protein forms A497V, A476V.
Identifiers: ClinVar variation 836560 (VCV000836560.7), dbSNP rs754827467, ClinGen allele CA1095642.

ClinVar aggregate classification (germline): Uncertain significance (1 of 4 stars; one submission).

Conditions:
Autosomal recessive mendelian susceptibility to mycobacterial diseases due to complete RORgamma receptor deficiency. Also called: Immunodeficiency 42. Identifiers: Orphanet 477857, MedGen C5567647, MONDO:0014710, OMIM 616622.

Allele frequency attached by ClinVar (database versions not stated): gnomAD 0.00001; ExAC 0.00002; gnomAD exomes 0.00003 and 0.00006; TOPMed 0.00004.

Submission:

Labcorp Genetics (formerly Invitae), Labcorp
Classification: Uncertain significance for Autosomal recessive mendelian susceptibility to mycobacterial diseases due to complete RORgamma receptor deficiency. Last evaluated: 2022-09-01. Review status: criteria provided, single submitter. Criteria: Invitae Variant Classification Sherloc (09022015). Collection method: clinical testing. Allele origin: germline.
Comment: This sequence change replaces alanine, which is neutral and non-polar, with valine, which is neutral and non-polar, at codon 497 of the RORC protein (p.Ala497Val). This variant is present in population databases (rs754827467, gnomAD 0.05%). This variant has not been reported in the literature in individuals affected with RORC-related conditions. ClinVar contains an entry for this variant (Variation ID: 836560). Algorithms developed to predict the effect of missense changes on protein structure and function (SIFT, PolyPhen-2, Align-GVGD) all suggest that this variant is likely to be tolerated. In summary, the available evidence is currently insufficient to determine the role of this variant in disease. Therefore, it has been classified as a Variant of Uncertain Significance.